The following is an entry in ClinVar:

ClinVar aggregate classification (germline): Uncertain significance. Review status: criteria provided, multiple submitters, no conflicts (2 of 4 stars). 2 submissions from 2 submitters: Uncertain significance (2). Last evaluated 2025-10-23.

Conditions:
Primary immunodeficiency with natural-killer cell deficiency and adrenal insufficiency (IMD54). Also called: Natural killer cell and glucocorticoid deficiency with DNA repair defect; IMMUNODEFICIENCY 54. Identifiers: Orphanet 75391, MedGen C1864947, MONDO:0012383, OMIM 609981.

Allele frequency attached by ClinVar (database versions not stated): gnomAD exomes 0.00001 and 0.00002; TOPMed 0.00001; ExAC 0.00002; ESP Exome Variant Server 0.00008.
gnomAD v4.1: 17 of 1,597,098 alleles (0.0011%); highest among the groups gnomAD compares: Non-Finnish European, 0.0015%; no homozygotes.

Submissions (2):

Labcorp Genetics (formerly Invitae), Labcorp
Classification: Uncertain significance. Last evaluated: 2025-10-23. Review status: criteria provided, single submitter. Criteria: Invitae Variant Classification Sherloc (09022015). Collection method: clinical testing. Allele origin: germline.
Comment: This sequence change replaces threonine, which is neutral and polar, with isoleucine, which is neutral and non-polar, at codon 595 of the MCM4 protein (p.Thr595Ile). This variant is present in population databases (rs375753142, gnomAD 0.004%). This variant has not been reported in the literature in individuals affected with MCM4-related conditions. ClinVar contains an entry for this variant (Variation ID: 1013830). Invitae Evidence Modeling of protein sequence and biophysical properties (such as structural, functional, and spatial information, amino acid conservation, physicochemical variation, residue mobility, and thermodynamic stability) indicates that this missense variant is expected to disrupt MCM4 protein function with a positive predictive value of 80%. In summary, the available evidence is currently insufficient to determine the role of this variant in disease. Therefore, it has been classified as a Variant of Uncertain Significance.

New York Genome Center
Classification: Uncertain significance for Primary immunodeficiency with natural-killer cell deficiency and adrenal insufficiency. Last evaluated: 2020-06-26. Review status: criteria provided, single submitter. Criteria: NYGC Assertion Criteria 2020. Collection method: clinical testing. Allele origin: germline. Observed: 1 heterozygote. Study: CSER-NYCKidSeq.

NM_182746.3(MCM4):c.1784C>T (p.Thr595Ile)

Gene: MCM4 (minichromosome maintenance complex component 4; plus strand). Cytogenetic location: 8q11.21.
Variant type: single nucleotide variant.
Coding change: c.1784C>T on transcript NM_182746.3 (MANE Select); coding-DNA position 1784, C replaced by T.
Protein change: p.Thr595Ile; replaces threonine 595 with isoleucine.
Molecular consequence: missense variant.
Genome position (GRCh38, 1-based): chr8:47,970,860, C>T. VCF-style: chr8-47970860-C-T. GRCh37 (hg19) VCF-style: chr8-48883420-C-T.
Other names: c.1784C>T, p.Thr595Ile (NM_005914.4); short protein forms T595I.
Identifiers: ClinVar variation 1013830 (VCV001013830.10), dbSNP rs375753142, ClinGen allele CA4742695.